The following is an entry in ClinVar:

NM_020989.4(CRYGC):c.470G>A (p.Trp157Ter)

Genes: CRYGC (crystallin gamma C; minus strand), LOC100507443 (uncharacterized LOC100507443; plus strand). Cytogenetic location: 2q33.3.
Variant type: single nucleotide variant.
Coding change: c.470G>A on transcript NM_020989.4 (MANE Select); coding-DNA position 470, G replaced by A.
Protein change: p.Trp157Ter; replaces tryptophan 157 with a stop codon.
Molecular consequence: nonsense.
Genome position (GRCh38, 1-based): chr2:208,128,258, C>T on the plus strand (G>A on the coding strand, the complement: CRYGC is on the minus strand). VCF-style: chr2-208128258-C-T. GRCh37 (hg19) VCF-style: chr2-208992982-C-T.
Other names: CRYGC, TRP157TER, 470G-A; short protein forms W157*.
Identifiers: ClinVar variation 66074 (VCV000066074.4), dbSNP rs398122392, ClinGen allele CA210588.

ClinVar aggregate classification (germline): Pathogenic/Likely pathogenic. Review status: criteria provided, multiple submitters, no conflicts (2 of 4 stars). 4 submissions from 4 submitters: Pathogenic (2); Likely pathogenic (1). 1 of the submissions does not count toward it. Last evaluated 2024-08-26.

Conditions:
Cataract 2, multiple types (CTRCT2). Also called: CATARACT 2, ZONULAR PULVERULENT; CATARACT 2, MULTIPLE TYPES, WITH OR WITHOUT MICROCORNEA; CATARACT 2, NUCLEAR, WITH MICROCORNEA; CATARACT 2, NUCLEAR. Identifiers: Orphanet 91492, MedGen C4721890, MONDO:0100436, OMIM 604307.
Inborn genetic diseases. Identifiers: MedGen C0950123, MeSH D030342.

Submissions (4):

Ambry Genetics
Classification: Likely pathogenic for Inborn genetic diseases. Last evaluated: 2024-08-26. Review status: criteria provided, single submitter. Criteria: Ambry Variant Classification Scheme 2023. Collection method: clinical testing. Allele origin: germline.
Comment: The c.470G>A (p.W157*) alteration, located in exon 3 (coding exon 3) of the CRYGC gene, consists of a G to A substitution at nucleotide position 470. This changes the amino acid from a tryptophan (W) to a stop codon at amino acid position 157. This alteration occurs at the 3' terminus of the CRYGC gene, is not expected to trigger nonsense-mediated mRNA decay, and impacts the last 10% of the protein. Premature stop codons are typically deleterious in nature, however, loss-of-function of CRYGC has not been established as a mechanism of disease. This variant was not reported in population-based cohorts in the Genome Aggregation Database (gnomAD). This variant has been reported in two individuals with features consistent with CRYGC-related cataract and found to segregate with affected individuals in one family (Zhang, 2009; Kessel, 2021). In an assay testing CRYGC function, this variant showed a functionally abnormal result (Talla, 2008). Based on the available evidence, this alteration is classified as likely pathogenic.

Miami Human Genetics, University Of Miami Miller School Of Medicine
Classification: Pathogenic for Cataract 2, multiple types. Last evaluated: 2024-05-09. Review status: criteria provided, single submitter. Criteria: ACMG Guidelines, 2015. Collection method: research. Allele origin: unknown. Inheritance: Autosomal dominant inheritance. Affected: yes. Observed: 1 heterozygote.

GeneDx
Classification: Pathogenic. Last evaluated: 2018-11-01. Review status: criteria provided, single submitter. Criteria: GeneDx Variant Classification (06012015). Collection method: clinical testing. Allele origin: germline. Affected: yes.
Comment: The W157X variant in the CRYGC gene has been reported previously to segregate with autosomal dominant nuclear cataracts and mircrocornea in a four-generation Chinese family (Zhang et al., 2009). Functional studies with transfected W157X cells demonstrate self-aggregation and reduction in solubility that would be expected to generate light-scattering particles, compromising the transparency of the cells and their assemblies (Talla et. al, 2008). This variant is predicted to cause loss of normal protein function through protein truncation where the last 18 amino acid residues are lost. or nonsense-mediated mRNA decay. The W157X variant is not observed in large population cohorts (Lek et al., 2016). We interpret W157X as a pathogenic variant.

OMIM
Classification: Pathogenic for CATARACT 2, NUCLEAR, WITH MICROCORNEA. Last evaluated: 2009-01-01. Review status: no assertion criteria provided. Collection method: literature only. Allele origin: germline. Not counted in ClinVar's aggregate classification.

Literature cited by the submitters: PubMed 19204787 (cited by 3 submitters); PubMed 34169787 (cited by Ambry Genetics).